The following is an entry in ClinVar:

ClinVar aggregate classification (germline): Uncertain significance. Review status: criteria provided, multiple submitters, no conflicts (2 of 4 stars). 2 submissions from 2 submitters: Uncertain significance (2). Last evaluated 2025-05-06.

Conditions:
Cardiovascular phenotype. Identifiers: MedGen CN230736.
Long QT syndrome (LQTS). Identifiers: MedGen C0023976, MeSH D008133, MONDO:0002442. Disease mechanism: loss of function. Inheritance: Various modes of inheritance.

Allele frequency attached by ClinVar (database versions not stated): gnomAD 0.00003; TOPMed 0.00002; ESP Exome Variant Server 0.00008; ExAC 0.00002; gnomAD exomes 0.00001.
gnomAD v4.1: 27 of 1,613,142 alleles (0.0017%); highest among the groups gnomAD compares: Non-Finnish European, 0.002%; no homozygotes.

Submissions (2):

Labcorp Genetics (formerly Invitae), Labcorp
Classification: Uncertain significance for Long QT syndrome. Last evaluated: 2025-05-06. Review status: criteria provided, single submitter. Criteria: Invitae Variant Classification Sherloc (09022015). Collection method: clinical testing. Allele origin: germline.
Comment: This sequence change replaces histidine, which is basic and polar, with arginine, which is basic and polar, at codon 3098 of the AKAP9 protein (p.His3098Arg). The frequency data for this variant in the population databases is considered unreliable, as metrics indicate poor data quality at this position in the gnomAD database. This variant has not been reported in the literature in individuals affected with AKAP9-related conditions. ClinVar contains an entry for this variant (Variation ID: 1766449). An algorithm developed to predict the effect of missense changes on protein structure and function outputs the following: PolyPhen-2: "Benign". The arginine amino acid residue is found in multiple mammalian species, which suggests that this missense change does not adversely affect protein function. In summary, the available evidence is currently insufficient to determine the role of this variant in disease. Therefore, it has been classified as a Variant of Uncertain Significance.

Ambry Genetics
Classification: Uncertain significance for Cardiovascular phenotype. Last evaluated: 2023-07-21. Review status: criteria provided, single submitter. Criteria: Ambry Variant Classification Scheme 2023. Collection method: clinical testing. Allele origin: germline.
Comment: The p.H3098R variant (also known as c.9293A>G), located in coding exon 38 of the AKAP9 gene, results from an A to G substitution at nucleotide position 9293. The histidine at codon 3098 is replaced by arginine, an amino acid with highly similar properties. This amino acid position is not well conserved in available vertebrate species, and arginine is the reference amino acid in other vertebrate species. In addition, this alteration is predicted to be tolerated by in silico analysis. Since supporting evidence is limited at this time, the clinical significance of this alteration remains unclear.

NM_005751.5(AKAP9):c.9293A>G (p.His3098Arg)

Gene: AKAP9 (A-kinase anchoring protein 9; plus strand). Cytogenetic location: 7q21.2.
Variant type: single nucleotide variant.
Coding change: c.9293A>G on transcript NM_005751.5 (MANE Select); coding-DNA position 9293, A replaced by G.
Protein change: p.His3098Arg; replaces histidine 3098 with arginine.
Molecular consequence: missense variant.
Genome position (GRCh38, 1-based): chr7:92,089,464, A>G. VCF-style: chr7-92089464-A-G. GRCh37 (hg19) VCF-style: chr7-91718778-A-G.
Other names: c.3938A>G, p.His1313Arg (NM_001379277.1); c.9269A>G, p.His3090Arg (NM_147185.3); short protein forms H1313R, H3090R, H3098R.
Identifiers: ClinVar variation 1766449 (VCV001766449.6), dbSNP rs371536340, ClinGen allele CA4337707.